The following is an entry in ClinVar:

ClinVar aggregate classification (germline): Uncertain significance. Review status: criteria provided, multiple submitters, no conflicts (2 of 4 stars). 2 submissions from 2 submitters: Uncertain significance (2). Last evaluated 2024-11-19.

Conditions:
PEX6-related disorder. Also called: PEX6-related condition; PEX6-related disorders.

Submissions (2):

PreventionGenetics, part of Exact Sciences
Classification: Uncertain significance for PEX6-related condition. Last evaluated: 2024-11-19. Review status: criteria provided, single submitter. Criteria: ACMG Guidelines, 2015. Collection method: clinical testing. Allele origin: germline.
Comment: The PEX6 c.1312C>A variant is predicted to result in the amino acid substitution p.Leu438Met. To our knowledge, this variant has not been reported in the literature. This variant is reported in 0.0054% of alleles in individuals of East Asian descent in gnomAD. At this time, the clinical significance of this variant is uncertain due to the absence of conclusive functional and genetic evidence.

Blueprint Genetics
Classification: Uncertain significance. Last evaluated: 2024-03-08. Review status: criteria provided, single submitter. Criteria: ACMG Guidelines, 2015. Collection method: clinical testing. Allele origin: germline.

NM_000287.4(PEX6):c.1312C>A (p.Leu438Met)

Gene: PEX6 (peroxisomal biogenesis factor 6; minus strand). Cytogenetic location: 6p21.1.
Variant type: single nucleotide variant.
Coding change: c.1312C>A on transcript NM_000287.4 (MANE Select); coding-DNA position 1312, C replaced by A.
Protein change: p.Leu438Met; replaces leucine 438 with methionine.
Molecular consequence: missense variant. On other transcripts: non-coding transcript variant (1).
Genome position (GRCh38, 1-based): chr6:42,969,723, G>T on the plus strand (C>A on the coding strand, the complement: PEX6 is on the minus strand). VCF-style: chr6-42969723-G-T. GRCh37 (hg19) VCF-style: chr6-42937461-G-T.
Other names: c.1312C>A (NM_000287.3); c.1048C>A, p.Leu350Met (NM_001316313.2); short protein forms L438M, L350M.
Identifiers: ClinVar variation 4892041 (VCV004892041.2).